The following is an entry in ClinVar:

ClinVar aggregate classification (germline): Uncertain significance (1 of 4 stars; one submission).

Conditions:
Nemaline myopathy 2 (NEM2). Also called: Nemaline myopathy 2, autosomal recessive. Identifiers: MedGen C1850569, MONDO:0009725, OMIM 256030.

Submission:

Labcorp Genetics (formerly Invitae), Labcorp
Classification: Uncertain significance for Nemaline myopathy 2. Last evaluated: 2021-06-27. Review status: criteria provided, single submitter. Criteria: Invitae Variant Classification Sherloc (09022015). Collection method: clinical testing. Allele origin: germline.
Comment: This sequence change replaces alanine with threonine at codon 3861 of the NEB protein (p.Ala3861Thr). The alanine residue is moderately conserved and there is a small physicochemical difference between alanine and threonine. This variant is not present in population databases (ExAC no frequency). This variant has not been reported in the literature in individuals with NEB-related conditions. Algorithms developed to predict the effect of missense changes on protein structure and function are either unavailable or do not agree on the potential impact of this missense change (SIFT: "Deleterious"; PolyPhen-2: "Not Available"; Align-GVGD: "Class C0"). In summary, the available evidence is currently insufficient to determine the role of this variant in disease. Therefore, it has been classified as a Variant of Uncertain Significance.

NM_001164508.2(NEB):c.11581G>A (p.Ala3861Thr)

Gene: NEB (nebulin; minus strand). Cytogenetic location: 2q23.3.
Variant type: single nucleotide variant.
Coding change: c.11581G>A on transcript NM_001164508.2 (MANE Select); coding-DNA position 11581, G replaced by A.
Protein change: p.Ala3861Thr; replaces alanine 3861 with threonine.
Molecular consequence: missense variant.
Genome position (GRCh38, 1-based): chr2:151,614,296, C>T on the plus strand (G>A on the coding strand, the complement: NEB is on the minus strand). VCF-style: chr2-151614296-C-T. GRCh37 (hg19) VCF-style: chr2-152470810-C-T.
Other names: c.11581G>A, p.Ala3861Thr (NM_001164507.2, NM_001271208.2); c.10852G>A, p.Ala3618Thr (NM_004543.5); short protein forms A3618T, A3861T.
Identifiers: ClinVar variation 1957453 (VCV001957453.2), dbSNP rs750748717, ClinGen allele CA348781118.